The following is an entry in ClinVar:

ClinVar aggregate classification (germline): Uncertain significance (1 of 4 stars; one submission).

Conditions:
Early-infantile DEE. Also called: Early infantile epileptic encephalopathy; Ohtahara syndrome; Early infantile epileptic encephalopathy with suppression bursts. Identifiers: Orphanet 1934, MedGen C0393706, MONDO:0800491.

Submission:

Labcorp Genetics (formerly Invitae), Labcorp
Classification: Uncertain significance for Early-infantile DEE. Last evaluated: 2024-12-06. Review status: criteria provided, single submitter. Criteria: Invitae Variant Classification Sherloc (09022015). Collection method: clinical testing. Allele origin: germline.
Comment: This sequence change replaces leucine, which is neutral and non-polar, with methionine, which is neutral and non-polar, at codon 258 of the SCN1A protein (p.Leu258Met). This variant is not present in population databases (gnomAD no frequency). This variant has not been reported in the literature in individuals affected with SCN1A-related conditions. Invitae Evidence Modeling of protein sequence and biophysical properties (such as structural, functional, and spatial information, amino acid conservation, physicochemical variation, residue mobility, and thermodynamic stability) indicates that this missense variant is expected to disrupt SCN1A protein function with a positive predictive value of 95%. In summary, the available evidence is currently insufficient to determine the role of this variant in disease. Therefore, it has been classified as a Variant of Uncertain Significance.

NM_001165963.4(SCN1A):c.772C>A (p.Leu258Met)

Gene: SCN1A (sodium voltage-gated channel alpha subunit 1; minus strand). Cytogenetic location: 2q24.3.
Variant type: single nucleotide variant.
Coding change: c.772C>A on transcript NM_001165963.4 (MANE Select); coding-DNA position 772, C replaced by A.
Protein change: p.Leu258Met; replaces leucine 258 with methionine.
Molecular consequence: missense variant. On other transcripts: 5 prime UTR variant (1), non-coding transcript variant (1).
Genome position (GRCh38, 1-based): chr2:166,051,911, G>T on the plus strand (C>A on the coding strand, the complement: SCN1A is on the minus strand). VCF-style: chr2-166051911-G-T. GRCh37 (hg19) VCF-style: chr2-166908421-G-T.
Other names: c.772C>A, p.Leu258Met (NM_001165964.3, NM_001202435.3, NM_001353948.2 and 10 more transcripts); c.-1654C>A (NM_001353961.2); short protein forms L258M.
Identifiers: ClinVar variation 3634064 (VCV003634064.2).